The following is an entry in ClinVar:

NM_003722.5(TP63):c.856G>C (p.Val286Leu)

Gene: TP63 (tumor protein p63; plus strand). Cytogenetic location: 3q28.
Variant type: single nucleotide variant.
Coding change: c.856G>C on transcript NM_003722.5 (MANE Select); coding-DNA position 856, G replaced by C.
Protein change: p.Val286Leu; replaces valine 286 with leucine.
Molecular consequence: missense variant.
Genome position (GRCh38, 1-based): chr3:189,866,771, G>C. VCF-style: chr3-189866771-G-C. GRCh37 (hg19) VCF-style: chr3-189584560-G-C.
Other names: c.574G>C, p.Val192Leu (NM_001114982.2, NM_001329145.2, NM_001329149.2 and 2 more transcripts); c.856G>C, p.Val286Leu (NM_001329144.2, NM_001329148.2, NM_001114978.2 and 1 more transcripts); c.319G>C, p.Val107Leu (NM_001329146.2, NM_001329150.2); c.850G>C, p.Val284Leu (NM_001329964.2); short protein forms V286L, V107L, V192L, V284L.
Identifiers: ClinVar variation 3659001 (VCV003659001.1).

ClinVar aggregate classification (germline): Uncertain significance (1 of 4 stars; one submission).

Conditions:
TP63-Related Spectrum Disorders.

Submission:

Labcorp Genetics (formerly Invitae), Labcorp
Classification: Uncertain significance. Last evaluated: 2024-07-08. Review status: criteria provided, single submitter. Criteria: Invitae Variant Classification Sherloc (09022015). Collection method: clinical testing. Allele origin: germline.
Comment: This sequence change replaces valine, which is neutral and non-polar, with leucine, which is neutral and non-polar, at codon 286 of the TP63 protein (p.Val286Leu). This variant is not present in population databases (gnomAD no frequency). This variant has not been reported in the literature in individuals affected with TP63-related conditions. Advanced modeling of protein sequence and biophysical properties (such as structural, functional, and spatial information, amino acid conservation, physicochemical variation, residue mobility, and thermodynamic stability) has been performed at Invitae for this missense variant, however the output from this modeling did not meet the statistical confidence thresholds required to predict the impact of this variant on TP63 protein function. In summary, the available evidence is currently insufficient to determine the role of this variant in disease. Therefore, it has been classified as a Variant of Uncertain Significance.